The following is an entry in ClinVar:

NM_016156.6(MTMR2):c.1319G>A (p.Arg440Gln)

Gene: MTMR2 (myotubularin related protein 2; minus strand). Cytogenetic location: 11q21.
Variant type: single nucleotide variant.
Coding change: c.1319G>A on transcript NM_016156.6 (MANE Select); coding-DNA position 1319, G replaced by A.
Protein change: p.Arg440Gln; replaces arginine 440 with glutamine.
Molecular consequence: missense variant.
Genome position (GRCh38, 1-based): chr11:95,845,020, C>T on the plus strand (G>A on the coding strand, the complement: MTMR2 is on the minus strand). VCF-style: chr11-95845020-C-T. GRCh37 (hg19) VCF-style: chr11-95578184-C-T.
Other names: c.1103G>A, p.Arg368Gln (NM_001243571.2, NM_201278.3, NM_201281.3); short protein forms R368Q, R440Q.
Identifiers: ClinVar variation 1465428 (VCV001465428.9), dbSNP rs1383802560, ClinGen allele CA382420774.
Genomic context (GRCh38, chr11:95,845,020, plus strand): 5'-AATCGATGTCCAAAACTTAGCCATTCTTTCTCCACAAGGACTTCAAATCCTCGGATGGTT[C>T]GATAGTATCCATCCAACATGAGCATGGCAAGGGAAGTGAGCTGAGCTGTGCGATCCCAAC-3'
Protein context (NP_057240.3, residues 430-450): LAMLMLDGYY[Arg440Gln]TIRGFEVLVE

ClinVar aggregate classification (germline): Uncertain significance. Review status: criteria provided, multiple submitters, no conflicts (2 of 4 stars). 2 submissions from 2 submitters: Uncertain significance (2). Last evaluated 2025-02-02.

Conditions:
Inborn genetic diseases. Identifiers: MedGen C0950123, MeSH D030342.
Charcot-Marie-Tooth disease type 4. Also called: Charcot-Marie-Tooth, Type 4; Charcot-Marie-Tooth disease, type IV. Identifiers: Orphanet 64749, MedGen C4082197, MONDO:0018995.

Allele frequency attached by ClinVar (database versions not stated): TOPMed below 0.00001; gnomAD 0.00001; gnomAD exomes 0.00001.
gnomAD v4.1: 10 of 1,613,682 alleles (0.00062%); highest among the groups gnomAD compares: Non-Finnish European, 0.00085%; no homozygotes.

Submissions (2):

Ambry Genetics
Classification: Uncertain significance for Inborn genetic diseases. Last evaluated: 2025-02-02. Review status: criteria provided, single submitter. Criteria: Ambry Variant Classification Scheme 2023. Collection method: clinical testing. Allele origin: germline.

Labcorp Genetics (formerly Invitae), Labcorp
Classification: Uncertain significance for Charcot-Marie-Tooth disease type 4. Last evaluated: 2022-10-25. Review status: criteria provided, single submitter. Criteria: Invitae Variant Classification Sherloc (09022015). Collection method: clinical testing. Allele origin: germline.
Comment: This sequence change replaces arginine, which is basic and polar, with glutamine, which is neutral and polar, at codon 440 of the MTMR2 protein (p.Arg440Gln). This variant is present in population databases (no rsID available, gnomAD 0.0009%). This variant has not been reported in the literature in individuals affected with MTMR2-related conditions. ClinVar contains an entry for this variant (Variation ID: 1465428). Advanced modeling of protein sequence and biophysical properties (such as structural, functional, and spatial information, amino acid conservation, physicochemical variation, residue mobility, and thermodynamic stability) performed at Invitae indicates that this missense variant is expected to disrupt MTMR2 protein function. In summary, the available evidence is currently insufficient to determine the role of this variant in disease. Therefore, it has been classified as a Variant of Uncertain Significance.